The following is an entry in ClinVar:

NM_000540.3(RYR1):c.8827G>A (p.Asp2943Asn)

Gene: RYR1 (ryanodine receptor 1; plus strand). Cytogenetic location: 19q13.2.
Variant type: single nucleotide variant.
Coding change: c.8827G>A on transcript NM_000540.3 (MANE Select); coding-DNA position 8827, G replaced by A.
Protein change: p.Asp2943Asn; replaces aspartic acid 2943 with asparagine.
Molecular consequence: missense variant.
Genome position (GRCh38, 1-based): chr19:38,507,722, G>A. VCF-style: chr19-38507722-G-A. GRCh37 (hg19) VCF-style: chr19-38998362-G-A.
Other names: c.8827G>A, p.Asp2943Asn (NM_001042723.2); short protein forms D2943N.
Identifiers: ClinVar variation 93304 (VCV000093304.34), dbSNP rs79294840, ClinGen allele CA024954.

ClinVar aggregate classification (germline): Benign/Likely benign. Review status: criteria provided, multiple submitters, no conflicts (2 of 4 stars). 9 submissions from 9 submitters: Benign (6); Likely benign (3). Last evaluated 2026-08-01.

Conditions:
RYR1-related disorder. Also called: RYR1-related disorders; RYR1-related condition. Identifiers: MedGen CN239331.
Malignant hyperthermia, susceptibility to, 1 (MHS1). Also called: Malignant hyperthermia suceptibility 1; Anesthesia related hyperthermia; Malignant hyperpyrexia; Fulminating hyperpyrexia; Pharmacogenic myopathy; RYR1-Related Malignant Hyperthermia Susceptibility. Identifiers: Orphanet 423, MedGen C2930980, MONDO:0007783, OMIM 145600.

Allele frequency attached by ClinVar (database versions not stated): gnomAD 0.00325 and 0.00307; TOPMed 0.00333; gnomAD exomes 0.00029 and 0.00074; ExAC 0.00095; 1000 Genomes Project 0.00300; 1000 Genomes Project 30x 0.00312; ESP Exome Variant Server 0.00415.
gnomAD v4.1: 894 of 1,609,176 alleles (0.056%); highest among the groups gnomAD compares: African/African-American, 1.1%; 2 homozygotes.

Submissions (9):

CeGaT Center for Human Genetics Tuebingen
Classification: Likely benign. Last evaluated: 2026-08-01. Review status: criteria provided, single submitter. Criteria: CeGaT Center For Human Genetics Tuebingen Variant Classification Criteria Version 2. Collection method: clinical testing. Allele origin: germline. Affected: yes. Observed: 4 variant alleles.
Comment: RYR1: PP3, BS1

Labcorp Genetics (formerly Invitae), Labcorp
Classification: Benign for RYR1-related disorder. Last evaluated: 2026-01-28. Review status: criteria provided, single submitter. Criteria: Invitae Variant Classification Sherloc (09022015). Collection method: clinical testing. Allele origin: germline.

All of Us Research Program, National Institutes of Health
Classification: Benign for Malignant hyperthermia, susceptibility to, 1. Last evaluated: 2024-09-27. Review status: criteria provided, single submitter. Criteria: ACMG Guidelines, 2015. Collection method: clinical testing. Allele origin: germline. Inheritance: Autosomal dominant inheritance. Observed: 226 variant alleles, 225 heterozygotes, 1 homozygote.
Comment: This study involves interpretation of variants in research participants for the purpose of population health screening. Participant phenotype was not available at the time of variant classification. Additional details can be found in publication PMID: 35346344, PMCID: PMC8962531

Blueprint Genetics
Classification: Likely benign. Last evaluated: 2024-07-17. Review status: criteria provided, single submitter. Criteria: ACMG Guidelines, 2015. Collection method: clinical testing. Allele origin: germline.

Color Diagnostics, LLC DBA Color Health
Classification: Benign for Malignant hyperthermia, susceptibility to, 1. Last evaluated: 2022-08-18. Review status: criteria provided, single submitter. Criteria: ACMG Guidelines, 2015. Collection method: clinical testing. Allele origin: germline.

GeneDx
Classification: Benign. Last evaluated: 2021-03-02. Review status: criteria provided, single submitter. Criteria: GeneDx Variant Classification Process June 2021. Collection method: clinical testing. Allele origin: germline. Affected: yes.
Comment: This variant is associated with the following publications: (PMID: 32019516, 30325262)

PreventionGenetics, part of Exact Sciences
Classification: Benign. Last evaluated: 2018-04-02. Review status: criteria provided, single submitter. Criteria: ACMG Guidelines, 2015. Collection method: clinical testing. Allele origin: germline.

Eurofins Ntd Llc (ga)
Classification: Benign. Last evaluated: 2013-07-31. Review status: criteria provided, single submitter. Criteria: EGL Classification Definitions 2015. Collection method: clinical testing. Allele origin: germline. Observed: 3 variant alleles, 3 heterozygotes.

Breakthrough Genomics
Classification: Likely benign. Review status: criteria provided, single submitter. Criteria: ACMG Guidelines, 2015. Collection method: not provided. Allele origin: germline. Inheritance: Autosomal recessive inheritance. Affected: yes.